The following is an entry in ClinVar:

ClinVar aggregate classification (germline): Uncertain significance (1 of 4 stars; one submission).

Submission:

GeneDx
Classification: Uncertain significance. Last evaluated: 2020-02-11. Review status: criteria provided, single submitter. Criteria: GeneDx Variant Classification Process June 2021. Collection method: clinical testing. Allele origin: germline. Affected: yes.
Comment: Not observed in large population cohorts (Lek et al., 2016); In silico analysis supports a deleterious effect on splicing; Has not been previously published as pathogenic or benign to our knowledge

NM_001283009.2(RTEL1):c.958+4A>G

Genes: RTEL1 (regulator of telomere elongation helicase 1; plus strand), RTEL1-TNFRSF6B (RTEL1-TNFRSF6B readthrough (NMD candidate); plus strand). Cytogenetic location: 20q13.33.
Variant type: single nucleotide variant.
Coding change: c.958+4A>G on transcript NM_001283009.2 (MANE Select); 4 bases into the intron after coding-DNA position 958, A replaced by G.
Molecular consequence: intron variant.
Genome position (GRCh38, 1-based): chr20:63,678,187, A>G. VCF-style: chr20-63678187-A-G. GRCh37 (hg19) VCF-style: chr20-62309540-A-G.
Other names: c.289+4A>G (NM_001283010.1); c.1030+4A>G (NM_032957.5); c.958+4A>G (NM_016434.4).
Identifiers: ClinVar variation 1314199 (VCV001314199.2), dbSNP rs2146210816, ClinGen allele CA2573054910.